The following is an entry in ClinVar:

ClinVar aggregate classification (germline): Uncertain significance. Review status: criteria provided, multiple submitters, no conflicts (2 of 4 stars). 2 submissions from 2 submitters: Uncertain significance (2). Last evaluated 2023-05-03.

Conditions:
Kufor-Rakeb syndrome (KRS). Also called: PARKINSON DISEASE 9, AUTOSOMAL RECESSIVE, JUVENILE-ONSET. Identifiers: Orphanet 306674, Orphanet 314632, MedGen C1847640, MONDO:0011706, OMIM 606693.
Autosomal recessive spastic paraplegia type 78. Identifiers: Orphanet 513436, MedGen C5567893, MONDO:0014975, OMIM 617225.
Inborn genetic diseases. Identifiers: MedGen C0950123, MeSH D030342.

Allele frequency attached by ClinVar (database versions not stated): ExAC 0.00001; gnomAD exomes 0.00001 and 0.00002; gnomAD 0.00002; TOPMed 0.00002.
gnomAD v4.1: 25 of 1,613,978 alleles (0.0015%); highest among the groups gnomAD compares: South Asian, 0.0033%; no homozygotes.

Submissions (2):

Ambry Genetics
Classification: Uncertain significance for Inborn genetic diseases. Last evaluated: 2023-05-03. Review status: criteria provided, single submitter. Criteria: Ambry Variant Classification Scheme 2023. Collection method: clinical testing. Allele origin: germline.

Labcorp Genetics (formerly Invitae), Labcorp
Classification: Uncertain significance for Kufor-Rakeb syndrome; Autosomal recessive spastic paraplegia type 78. Last evaluated: 2022-08-09. Review status: criteria provided, single submitter. Criteria: Invitae Variant Classification Sherloc (09022015). Collection method: clinical testing. Allele origin: germline.
Comment: Algorithms developed to predict the effect of missense changes on protein structure and function are either unavailable or do not agree on the potential impact of this missense change (SIFT: "Deleterious"; PolyPhen-2: "Probably Damaging"; Align-GVGD: "Class C0"). In summary, the available evidence is currently insufficient to determine the role of this variant in disease. Therefore, it has been classified as a Variant of Uncertain Significance. ClinVar contains an entry for this variant (Variation ID: 588886). This variant has not been reported in the literature in individuals affected with ATP13A2-related conditions. This variant is present in population databases (rs760443267, gnomAD 0.006%). This sequence change replaces valine, which is neutral and non-polar, with methionine, which is neutral and non-polar, at codon 467 of the ATP13A2 protein (p.Val467Met).

NM_022089.4(ATP13A2):c.1399G>A (p.Val467Met)

Gene: ATP13A2 (ATPase cation transporting 13A2; minus strand). Cytogenetic location: 1p36.13.
Variant type: single nucleotide variant.
Coding change: c.1399G>A on transcript NM_022089.4 (MANE Select); coding-DNA position 1399, G replaced by A.
Protein change: p.Val467Met; replaces valine 467 with methionine.
Molecular consequence: missense variant.
Genome position (GRCh38, 1-based): chr1:16,996,119, C>T on the plus strand (G>A on the coding strand, the complement: ATP13A2 is on the minus strand). VCF-style: chr1-16996119-C-T. GRCh37 (hg19) VCF-style: chr1-17322614-C-T.
Other names: c.1384G>A, p.Val462Met (NM_001141973.3, NM_001141974.3); short protein forms V467M, V462M.
Identifiers: ClinVar variation 588886 (VCV000588886.9), dbSNP rs760443267, ClinGen allele CA637215.